The following is an entry in ClinVar:

NM_001267550.2(TTN):c.36203-1G>T

Gene: TTN (titin; minus strand). Cytogenetic location: 2q31.2.
Variant type: single nucleotide variant.
Coding change: c.36203-1G>T on transcript NM_001267550.2 (MANE Select); the canonical splice acceptor site of the intron before coding-DNA position 36203, G replaced by T.
Molecular consequence: splice acceptor variant. On other transcripts: intron variant (5).
Genome position (GRCh38, 1-based): chr2:178,664,538, C>A on the plus strand (G>T on the coding strand, the complement: TTN is on the minus strand). VCF-style: chr2-178664538-C-A. GRCh37 (hg19) VCF-style: chr2-179529265-C-A.
Other names: c.13283-22221G>T (NM_003319.4); c.13859-22221G>T (NM_133437.4); c.13658-22221G>T (NM_133432.3); c.31484-1483G>T (NM_133378.4); c.34265-1483G>T (NM_001256850.1).
Identifiers: ClinVar variation 2038900 (VCV002038900.4), dbSNP rs2472996488, ClinGen allele CA349500511.
Genomic context (GRCh38, chr2:178,664,538, plus strand): 5'-CAGCCCTTTGGGGAGGATGCACTTTCTTTTCCGGGACAACTTCTCTGAGAGCCTCCGGCA[C>A]TTTGAAGATATTAATAATTTTACATTTAGAAGTTACAAGAATCAACACAATCAGGAAAAA-3'

ClinVar aggregate classification (germline): Pathogenic (1 of 4 stars; one submission).

Conditions:
Dilated cardiomyopathy 1G (CMD1G). Identifiers: Orphanet 154, MedGen C1858763, MONDO:0011400, OMIM 604145.
Autosomal recessive limb-girdle muscular dystrophy type 2J (LGMDR10). Also called: MUSCULAR DYSTROPHY, LIMB-GIRDLE, AUTOSOMAL RECESSIVE 10; Limb-girdle muscular dystrophy, type 2J. Identifiers: Orphanet 140922, MedGen C1837342, MONDO:0012127, OMIM 608807.

Submission:

Labcorp Genetics (formerly Invitae), Labcorp
Classification: Pathogenic for Dilated cardiomyopathy 1G; Autosomal recessive limb-girdle muscular dystrophy type 2J. Last evaluated: 2024-10-18. Review status: criteria provided, single submitter. Criteria: Invitae Variant Classification Sherloc (09022015). Collection method: clinical testing. Allele origin: germline.
Comment: This sequence change affects an acceptor splice site in intron 167 of the TTN gene. It is expected to disrupt RNA splicing and likely results in a truncated or disrupted TTN protein. This variant is not present in population databases (gnomAD no frequency). Disruption of this splice site has been observed in individual(s) with autosomal recessive arthrogryposis-hydrops sequence (PMID: 36761691). In at least one individual the data is consistent with being in trans (on the opposite chromosome) from a pathogenic variant. It has also been observed to segregate with disease in related individuals. ClinVar contains an entry for this variant (Variation ID: 2038900). Studies have shown that disruption of this splice site is associated with altered splicing resulting in multiple RNA products (PMID: 36761691). This variant is located in the I band of TTN (PMID: 25589632). Truncating variants in this region have been reported in individuals affected with autosomal recessive centronuclear myopathy (PMID: 23975875, internal data). Truncating variants in this region have also been identified in individuals affected with autosomal dominant dilated cardiomyopathy and/or cardio-related conditions (PMID: 27869827, 32964742, internal data). For these reasons, this variant has been classified as Pathogenic.

Literature cited by the submitters: PubMed 36761691; PubMed 25589632; PubMed 23975875; PubMed 27869827; PubMed 32964742.